The following is an entry in ClinVar:

ClinVar aggregate classification (germline): Uncertain significance. Review status: criteria provided, multiple submitters, no conflicts (2 of 4 stars). 2 submissions from 2 submitters: Uncertain significance (2). Last evaluated 2024-08-03.

Conditions:
Hereditary spastic paraplegia 11. Also called: Nakamura Osame syndrome; Autosomal recessive hereditary spastic paraplegia, mental impairment, and thin corpus callosum; Spastic paraplegia, mental retardation and thin corpus callosum; SPASTIC PARAPLEGIA, AUTOSOMAL RECESSIVE, COMPLICATED, WITH THIN CORPUS CALLOSUM; SPASTIC PARAPLEGIA, AUTOSOMAL RECESSIVE, WITH MENTAL IMPAIRMENT AND THIN CORPUS CALLOSUM; Spastic Paraplegia 11. Identifiers: Orphanet 2822, MedGen C1858479, MONDO:0011445, OMIM 604360.

Allele frequency attached by ClinVar (database versions not stated): TOPMed below 0.00001; gnomAD exomes 0.00001.
gnomAD v4.1: 15 of 1,613,634 alleles (0.00093%); highest among the groups gnomAD compares: Non-Finnish European, 0.0013%; no homozygotes.

Submissions (2):

GeneDx
Classification: Uncertain significance. Last evaluated: 2024-08-03. Review status: criteria provided, single submitter. Criteria: GeneDx Variant Classification Process June 2021. Collection method: clinical testing. Allele origin: germline. Affected: yes.
Comment: Not observed at significant frequency in large population cohorts (gnomAD); In silico analysis supports that this missense variant has a deleterious effect on protein structure/function; Has not been previously published as pathogenic or benign to our knowledge

Labcorp Genetics (formerly Invitae), Labcorp
Classification: Uncertain significance for Hereditary spastic paraplegia 11. Last evaluated: 2023-10-03. Review status: criteria provided, single submitter. Criteria: Invitae Variant Classification Sherloc (09022015). Collection method: clinical testing. Allele origin: germline.
Comment: This sequence change replaces proline, which is neutral and non-polar, with leucine, which is neutral and non-polar, at codon 658 of the SPG11 protein (p.Pro658Leu). This variant is present in population databases (no rsID available, gnomAD 0.0009%). This variant has not been reported in the literature in individuals affected with SPG11-related conditions. ClinVar contains an entry for this variant (Variation ID: 534846). Advanced modeling of protein sequence and biophysical properties (such as structural, functional, and spatial information, amino acid conservation, physicochemical variation, residue mobility, and thermodynamic stability) performed at Invitae indicates that this missense variant is expected to disrupt SPG11 protein function. In summary, the available evidence is currently insufficient to determine the role of this variant in disease. Therefore, it has been classified as a Variant of Uncertain Significance.

NM_025137.4(SPG11):c.1973C>T (p.Pro658Leu)

Gene: SPG11 (SPG11 vesicle trafficking associated, spatacsin; minus strand). Cytogenetic location: 15q21.1.
Variant type: single nucleotide variant.
Coding change: c.1973C>T on transcript NM_025137.4 (MANE Select); coding-DNA position 1973, C replaced by T.
Protein change: p.Pro658Leu; replaces proline 658 with leucine.
Molecular consequence: missense variant.
Genome position (GRCh38, 1-based): chr15:44,628,763, G>A on the plus strand (C>T on the coding strand, the complement: SPG11 is on the minus strand). VCF-style: chr15-44628763-G-A. GRCh37 (hg19) VCF-style: chr15-44920961-G-A.
Other names: c.1973C>T, p.Pro658Leu (NM_001160227.2); short protein forms P658L.
Identifiers: ClinVar variation 534846 (VCV000534846.5), dbSNP rs922368462, ClinGen allele CA270080548.
Genomic context (GRCh38, chr15:44,628,763, plus strand): 5'-TTTACTTTGGGGACATTTTCATGTACATCATATTCATCTATAGCATCTGTTAGCTTCCAA[G>A]GAAACTTTATCATGAAGGTTCGAAGTTCATTAATGTAGCTAGTCAAAATGTTCACTCCTT-3'
Protein context (NP_079413.3, residues 648-668): NELRTFMIKF[Pro658Leu]WKLTDAIDEY